The following is an entry in ClinVar:

NM_002972.4(SBF1):c.1076C>T (p.Ser359Phe)

Gene: SBF1 (SET binding factor 1; minus strand). Cytogenetic location: 22q13.33.
Variant type: single nucleotide variant.
Coding change: c.1076C>T on transcript NM_002972.4 (MANE Select); coding-DNA position 1076, C replaced by T.
Protein change: p.Ser359Phe; replaces serine 359 with phenylalanine.
Molecular consequence: missense variant.
Genome position (GRCh38, 1-based): chr22:50,465,776, G>A on the plus strand (C>T on the coding strand, the complement: SBF1 is on the minus strand). VCF-style: chr22-50465776-G-A. GRCh37 (hg19) VCF-style: chr22-50904205-G-A.
Other names: c.1079C>T, p.Ser360Phe (NM_001365819.1); short protein forms S360F, S359F.
Identifiers: ClinVar variation 1421586 (VCV001421586.3), dbSNP rs753378000, ClinGen allele CA10317847.

ClinVar aggregate classification (germline): Uncertain significance (1 of 4 stars; one submission).

Allele frequency attached by ClinVar (database versions not stated): gnomAD exomes below 0.00001; ExAC 0.00001; gnomAD 0.00002; TOPMed 0.00005.
gnomAD v4.1: 4 of 1,607,504 alleles (0.00025%); highest among the groups gnomAD compares: African/African-American, 0.004%; no homozygotes.

Submission:

Labcorp Genetics (formerly Invitae), Labcorp
Classification: Uncertain significance. Last evaluated: 2021-07-31. Review status: criteria provided, single submitter. Criteria: Invitae Variant Classification Sherloc (09022015). Collection method: clinical testing. Allele origin: germline.
Comment: This sequence change replaces serine with phenylalanine at codon 359 of the SBF1 protein (p.Ser359Phe). The serine residue is moderately conserved and there is a large physicochemical difference between serine and phenylalanine. This variant is present in population databases (rs753378000, ExAC 0.02%). This variant has not been reported in the literature in individuals affected with SBF1-related conditions. Algorithms developed to predict the effect of missense changes on protein structure and function are either unavailable or do not agree on the potential impact of this missense change (SIFT: "Deleterious"; PolyPhen-2: "Possibly Damaging"; Align-GVGD: "Class C0"). In summary, the available evidence is currently insufficient to determine the role of this variant in disease. Therefore, it has been classified as a Variant of Uncertain Significance.